The following is an entry in ClinVar:

NM_001002294.3(FMO3):c.712C>T (p.Arg238Ter)

Gene: FMO3 (flavin containing dimethylaniline monoxygenase 3; plus strand). Cytogenetic location: 1q24.3.
Variant type: single nucleotide variant.
Coding change: c.712C>T on transcript NM_001002294.3 (MANE Select); coding-DNA position 712, C replaced by T.
Protein change: p.Arg238Ter; replaces arginine 238 with a stop codon.
Molecular consequence: nonsense.
Genome position (GRCh38, 1-based): chr1:171,110,882, C>T. VCF-style: chr1-171110882-C-T. GRCh37 (hg19) VCF-style: chr1-171080023-C-T.
Other names: c.652C>T, p.Arg218Ter (NM_001319173.2); c.523C>T, p.Arg175Ter (NM_001319174.2); c.712C>T, p.Arg238Ter (NM_006894.6); short protein forms R175*, R238*, R218*.
Identifiers: ClinVar variation 2719491 (VCV002719491.5), dbSNP rs893223321, ClinGen allele CA343186245.
Genomic context (GRCh38, chr1:171,110,882, plus strand): 5'-TCCTGGGTGATGAGCCGGGTCTGGGACAATGGTTATCCTTGGGACATGCTGCTCGTCACT[C>T]GATTTGGAACCTTCCTCAAGAACAATTTACCGACAGCCATCTCTGACTGGTTGTACGTGA-3'

ClinVar aggregate classification (germline): Pathogenic/Likely pathogenic. Review status: criteria provided, multiple submitters, no conflicts (2 of 4 stars). 3 submissions from 3 submitters: Pathogenic (2); Likely pathogenic (1). Last evaluated 2024-05-15.

Conditions:
Trimethylaminuria (TMAU). Also called: FISH-ODOR SYNDROME; Fish malodor syndrome; Stale fish syndrome; TMAuria; Primary Trimethylaminuria. Identifiers: MedGen C0342739, MONDO:0011182, OMIM 602079, HP:0003614. Disease mechanism: loss of function.

gnomAD v4.1: 32 of 1,613,976 alleles (0.002%); highest among the groups gnomAD compares: Middle Eastern, 0.017%; no homozygotes.

Submissions (3):

Myriad Genetics, Inc.
Classification: Pathogenic for Trimethylaminuria. Last evaluated: 2024-05-15. Review status: criteria provided, single submitter. Criteria: Myriad Autosomal Dominant, Autosomal Recessive and X-Linked Classification Criteria (2023). Collection method: clinical testing. Allele origin: unknown.
Comment: NM_001002294.2(FMO3):c.712C>T(R238*) is expected to be pathogenic in the context of primary trimethylaminuria. This variant is predicted to lead to an abnormal or absent protein product due to the creation of a premature termination codon in FMO3, a gene where loss-of-function variants are known to be pathogenic. Please note: this variant was assessed in the context of healthy population screening.

Fulgent Genetics
Classification: Likely pathogenic for Trimethylaminuria. Last evaluated: 2024-02-12. Review status: criteria provided, single submitter. Criteria: ACMG Guidelines, 2015. Collection method: clinical testing. Allele origin: germline.

Labcorp Genetics (formerly Invitae), Labcorp
Classification: Pathogenic. Last evaluated: 2023-06-20. Review status: criteria provided, single submitter. Criteria: Invitae Variant Classification Sherloc (09022015). Collection method: clinical testing. Allele origin: germline.
Comment: For these reasons, this variant has been classified as Pathogenic. This variant has not been reported in the literature in individuals affected with FMO3-related conditions. This variant is present in population databases (no rsID available, gnomAD 0.007%). This sequence change creates a premature translational stop signal (p.Arg238*) in the FMO3 gene. It is expected to result in an absent or disrupted protein product. Loss-of-function variants in FMO3 are known to be pathogenic (PMID: 20301282).

Literature cited by the submitters: PubMed 20301282 (cited by Labcorp Genetics (formerly Invitae), Labcorp).